The following is an entry in ClinVar:

NM_025137.4(SPG11):c.2472_2473insT (p.Lys825Ter)

Gene: SPG11 (SPG11 vesicle trafficking associated, spatacsin; minus strand). Cytogenetic location: 15q21.1.
Variant type: Insertion.
Coding change: c.2472_2473insT on transcript NM_025137.4 (MANE Select); coding-DNA positions 2472 to 2473, T inserted.
Protein change: p.Lys825Ter; replaces lysine 825 with a stop codon.
Molecular consequence: nonsense.
Genome position: GRCh38 VCF-style: chr15-44621906-T-TA. GRCh37 (hg19) VCF-style: chr15-44914104-T-TA.
Other names: c.2472_2473insT, p.Lys825Ter (NM_001160227.2); short protein forms K825*.
Identifiers: ClinVar variation 1113 (VCV000001113.2), dbSNP rs312262744, ClinGen allele CA339867.

ClinVar aggregate classification (germline): Pathogenic. Review status: no assertion criteria provided (0 of 4 stars). 2 submissions from 2 submitters: Pathogenic (2). Last evaluated 2013-01-31.

Conditions:
Hereditary spastic paraplegia 11. Also called: SPASTIC PARAPLEGIA, AUTOSOMAL RECESSIVE, COMPLICATED, WITH THIN CORPUS CALLOSUM; SPASTIC PARAPLEGIA, AUTOSOMAL RECESSIVE, WITH MENTAL IMPAIRMENT AND THIN CORPUS CALLOSUM; Spastic Paraplegia 11; Nakamura Osame syndrome; Autosomal recessive hereditary spastic paraplegia, mental impairment, and thin corpus callosum; Spastic paraplegia, mental retardation and thin corpus callosum. Identifiers: Orphanet 2822, MedGen C1858479, MONDO:0011445, OMIM 604360.

Submissions (2):

GeneReviews
Classification: Pathogenic for Spastic Paraplegia 11. Last evaluated: 2013-01-31. Review status: no assertion criteria provided. Collection method: curation. Allele origin: unknown.
ClinVar note: Converted during submission from pathologic to Pathogenic.

OMIM
Classification: Pathogenic for SPASTIC PARAPLEGIA 11, AUTOSOMAL RECESSIVE. Last evaluated: 2007-12-01. Review status: no assertion criteria provided. Collection method: literature only. Allele origin: germline.

Literature cited by the submitters: PubMed 18067136 (cited by OMIM).